The following is an entry in ClinVar:

ClinVar aggregate classification (germline): Uncertain significance. Review status: criteria provided, multiple submitters, no conflicts (2 of 4 stars). 3 submissions from 3 submitters: Uncertain significance (3). Last evaluated 2024-10-23.

Submissions (3):

Labcorp Genetics (formerly Invitae), Labcorp
Classification: Uncertain significance. Last evaluated: 2024-10-23. Review status: criteria provided, single submitter. Criteria: Invitae Variant Classification Sherloc (09022015). Collection method: clinical testing. Allele origin: germline.
Comment: This sequence change replaces glutamic acid, which is acidic and polar, with glutamine, which is neutral and polar, at codon 72 of the CYP4V2 protein (p.Glu72Gln). This variant also falls at the last nucleotide of exon 1, which is part of the consensus splice site for this exon. This variant is not present in population databases (gnomAD no frequency). This missense change has been observed in individual(s) with clinical features of Bietti crystalline dystrophy (internal data). ClinVar contains an entry for this variant (Variation ID: 1474833). Invitae Evidence Modeling of protein sequence and biophysical properties (such as structural, functional, and spatial information, amino acid conservation, physicochemical variation, residue mobility, and thermodynamic stability) has been performed for this missense variant. However, the output from this modeling did not meet the statistical confidence thresholds required to predict the impact of this variant on CYP4V2 protein function. Variants that disrupt the consensus splice site are a relatively common cause of aberrant splicing (PMID: 17576681, 9536098). Algorithms developed to predict the effect of sequence changes on RNA splicing suggest that this variant may disrupt the consensus splice site. In summary, the available evidence is currently insufficient to determine the role of this variant in disease. Therefore, it has been classified as a Variant of Uncertain Significance.

CeGaT Center for Human Genetics Tuebingen
Classification: Uncertain significance. Last evaluated: 2024-05-01. Review status: criteria provided, single submitter. Criteria: CeGaT Center For Human Genetics Tuebingen Variant Classification Criteria Version 2. Collection method: clinical testing. Allele origin: germline. Affected: yes. Observed: 1 variant allele.
Comment: CYP4V2: PM2, PP4:Moderate, BP4

Blueprint Genetics
Classification: Uncertain significance. Last evaluated: 2018-06-06. Review status: criteria provided, single submitter. Criteria: ACMG Guidelines, 2015. Collection method: clinical testing. Allele origin: germline.

Literature cited by the submitters: PubMed 17576681 (cited by Labcorp Genetics (formerly Invitae), Labcorp); PubMed 9536098 (cited by Labcorp Genetics (formerly Invitae), Labcorp).

NM_207352.4(CYP4V2):c.214G>C (p.Glu72Gln)

Gene: CYP4V2 (cytochrome P450 family 4 subfamily V member 2; plus strand). Cytogenetic location: 4q35.1.
Variant type: single nucleotide variant.
Coding change: c.214G>C on transcript NM_207352.4 (MANE Select); coding-DNA position 214, G replaced by C.
Protein change: p.Glu72Gln; replaces glutamic acid 72 with glutamine.
Molecular consequence: missense variant.
Genome position (GRCh38, 1-based): chr4:186,192,037, G>C. VCF-style: chr4-186192037-G-C. GRCh37 (hg19) VCF-style: chr4-187113191-G-C.
Other names: short protein forms E72Q.
Identifiers: ClinVar variation 1474833 (VCV001474833.28), dbSNP rs377425030, ClinGen allele CA358946777.
Genomic context (GRCh38, chr4:186,192,037, plus strand): 5'-ACGGTGGCCCGCGCCTACCCACTGGTGGGCCACGCGCTGCTGATGAAGCCGGACGGGCGA[G>C]GTAAGGGCCGGCGCTCCTCCTGGAGCGCAACGGGGTCCGCAGCCCCGTTCCCACCCTCCG-3'
Protein context (NP_997235.3, residues 62-82): HALLMKPDGR[Glu72Gln]FFQQIIEYTE